The following is an entry in ClinVar:

ClinVar aggregate classification (germline): Pathogenic/Likely pathogenic. Review status: criteria provided, multiple submitters, no conflicts (2 of 4 stars). 12 submissions from 11 submitters: Pathogenic (5); Likely pathogenic (4). 3 of the submissions do not count toward it. Last evaluated 2025-12-17.

Conditions:
Aicardi Goutieres syndrome (AGS). Also called: Encephalopathy, familial infantile, with calcification of basal ganglia and chronic cerebrospinal fluid lymphocytosis. Identifiers: Orphanet 51, MedGen C0393591, MONDO:0018866.
Chilblain lupus 2 (CHBL2). Identifiers: MedGen C3280721, MONDO:0013739, OMIM 614415.
Aicardi-Goutieres syndrome 5. Identifiers: Orphanet 51, MedGen C2749659, MONDO:0013059, OMIM 612952.

Allele frequency attached by ClinVar (database versions not stated): gnomAD 0.00002; ExAC 0.00002; ESP Exome Variant Server 0.00008; gnomAD exomes 0.00002 and 0.00015; TOPMed 0.00003.
gnomAD v4.1: 213 of 1,613,372 alleles (0.013%); highest among the groups gnomAD compares: Non-Finnish European, 0.018%; no homozygotes.

Submissions (12):

Labcorp Genetics (formerly Invitae), Labcorp
Classification: Pathogenic for Aicardi-Goutieres syndrome 5. Last evaluated: 2025-12-17. Review status: criteria provided, single submitter. Criteria: Invitae Variant Classification Sherloc (09022015). Collection method: clinical testing. Allele origin: germline.
Comment: This sequence change replaces isoleucine, which is neutral and non-polar, with asparagine, which is neutral and polar, at codon 201 of the SAMHD1 protein (p.Ile201Asn). This variant is present in population databases (rs138603088, gnomAD 0.005%). This missense change has been observed in individuals with SAMHD1-related conditions (PMID: 19525956, 20653736, 27604406). ClinVar contains an entry for this variant (Variation ID: 30605). Invitae Evidence Modeling of protein sequence and biophysical properties (such as structural, functional, and spatial information, amino acid conservation, physicochemical variation, residue mobility, and thermodynamic stability) indicates that this missense variant is expected to disrupt SAMHD1 protein function with a positive predictive value of 95%. Experimental studies have shown that this missense change affects SAMHD1 function (PMID: 22461318, 22973040, 28229507). For these reasons, this variant has been classified as Pathogenic.

Natera, Inc.
Classification: Pathogenic for Aicardi-Goutieres syndrome. Last evaluated: 2025-10-21. Review status: criteria provided, single submitter. Criteria: Natera Variant Classification Schema (03/2026). Collection method: clinical testing. Allele origin: germline.
Comment: The c.602T>A variant in SAMHD1 is a missense variant predicted to cause substitution of isoleucine to asparagine at amino acid 201. This variant is rare in the general population with a frequency below the threshold expected for the associated phenotype(s). This variant has been observed in one or more individuals affected with the associated recessive disease, as either homozygous or compound heterozygous with a second variant (PMID: 19525956, 20653736, 24183309). Computational prediction algorithms indicate this variant is likely to affect gene or protein function. Given the available evidence, this variant is classified as Pathogenic.

GeneDx
Classification: Pathogenic. Last evaluated: 2025-05-10. Review status: criteria provided, single submitter. Criteria: GeneDx Variant Classification Process June 2021. Collection method: clinical testing. Allele origin: germline. Affected: yes.
Comment: Observed in the heterozygous state without a second SAMHD1 variant identified in a mother and son with familial chilblain lupus in the published literature (PMID: 21204240); Published functional studies demonstrate a damaging effect through altered cellular localization, reduced protein expression, and catalytic inactivity (PMID: 22461318, 22973040, 28229507); In silico analysis supports that this missense variant has a deleterious effect on protein structure/function; This variant is associated with the following publications: (PMID: 22953710, 24035396, 22691373, 24183309, 19525956, 28229507, 22639057, 25604658, 24335234, 22973040, 22149989, 27604406, 30275001, 27943079, 22461318, 21204240, 20653736)

Women's Health and Genetics/Laboratory Corporation of America, LabCorp
Classification: Pathogenic for Aicardi Goutieres syndrome. Last evaluated: 2024-06-21. Review status: criteria provided, single submitter. Criteria: LabCorp Variant Classification Summary - May 2015. Collection method: clinical testing. Allele origin: germline.
Comment: Variant summary: SAMHD1 c.602T>A (p.Ile201Asn) results in a non-conservative amino acid change located in the HD/PDEase domain (IPR003607) of the encoded protein sequence. Five of five in-silico tools predict a damaging effect of the variant on protein function. The variant allele was found at a frequency of 2.4e-05 in 251364 control chromosomes. c.602T>A has been reported in the literature in multiple homozygous or compound heterozygous individuals affected with Aicardi Goutieres Syndrome (e.g. Ramesh_2010, Haskell_2018, Yarbrough_2016). These data indicate that the variant is very likely to be associated with disease. At least one publication reports experimental evidence evaluating an impact on protein function. The most pronounced variant effect results in significantly reduced ability to block viral infection in transfected U937 cells (White_2017). The following publications have been ascertained in the context of this evaluation (PMID: 30275001, 20653736, 28229507, 27604406). ClinVar contains an entry for this variant (Variation ID: 30605). Based on the evidence outlined above, the variant was classified as pathogenic.

Fulgent Genetics
Classification: Likely pathogenic for Aicardi-Goutieres syndrome 5; Chilblain lupus 2. Last evaluated: 2024-05-10. Review status: criteria provided, single submitter. Criteria: ACMG Guidelines, 2015. Collection method: clinical testing. Allele origin: germline.

Revvity Omics, Revvity
Classification: Pathogenic. Last evaluated: 2022-03-07. Review status: criteria provided, single submitter. Criteria: ACMG Guidelines, 2015. Collection method: clinical testing. Allele origin: germline.

Laboratory for Molecular Medicine, Mass General Brigham Personalized Medicine
Classification: Likely pathogenic for Aicardi Goutieres syndrome. Last evaluated: 2018-12-17. Review status: criteria provided, single submitter. Criteria: LMM Criteria. Collection method: clinical testing. Allele origin: germline. Inheritance: Autosomal recessive inheritance. Observed: 1 variant allele.
Comment: The p.Ile201Asn variant in SAMHD1 has been reported in 4 individuals with Aicard i-Goutieres syndrome: 1 who was homozygous for the variant, 2 who carried additi onal rare missense variants in SAMHD1, and 1 who also carried a frameshift varia nt in SAMHD1 (Rice 2009, Ramesh 2010, Yarbrough 2016, Haskell 2018). It segregat ed with disease in 2 affected individuals from 1 family who had symptoms of Aica rdi-Goutieres syndrome but did not have neurological involvement (Yarbrough 2016 ). In addition, it was identified in the heterozygous state in a mother and son with early onset chilblain lupus (Ravenscroft 2010). It has also been identified in 6/113690 of European chromosomes by gnomAD and reported in ClinVar (Variation ID # 30605). In summary, although additiona l studies are required to fully establish its clinical significance, this varian t meets criteria to be classified as likely pathogenic for autosomal recessive A icardi-Goutieres syndrome. ACMG/AMP criteria applied: PM2, PM3, PP1_Moderate, PP 3, PS3_Supporting.

UNC Molecular Genetics  Laboratory, University of North Carolina at Chapel Hill
Classification: Likely pathogenic for Aicardi-Goutieres syndrome 5. Last evaluated: 2018-08-06. Review status: criteria provided, single submitter. Criteria: ACMG Guidelines, 2015. Collection method: research. Allele origin: inherited. Inheritance: Autosomal recessive inheritance. Affected: yes. Observed: 1 compound heterozygote. Study: CSER_NCGENES.
Comment: The SAMHD1 Ile201Asn (p.I201N) variant has previously been reported in two unrelated individuals with autosomal recessive Aicardi-Goutieres syndrome 5, along with a second deleterious variant (Rice 2009, PMID: 19525956; Ramesh 2010, PMID: 20653736). It is located within the HD (histidine-aspartate) domain of the encoded protein and was observed in 6/111618 alleles in the GnomAD European (Non-Finnish) population (allele frequency 0.00005). This variant has a score of 0.901 by the REVEL metapredictor (Ioannidis 2016, PMID: 27666373), which exceeds the ClinGen threshold cut-off (0.75) for application of ACMG/AMP in silico prediction evidence. In summary, the Ile201Asn variant meets ACMG/AMP criteria to be classified as likely pathogenic (PM1, PM2, PP3, PP4).

Illumina Laboratory Services, Illumina
Classification: Likely pathogenic for Aicardi-Goutieres syndrome 5. Last evaluated: 2017-04-27. Review status: criteria provided, single submitter. Criteria: ICSL Variant Classification Criteria 09 May 2019. Collection method: clinical testing. Allele origin: germline.
Comment: The SAMHD1 c.602T>A (p.Ile201Asn) variant has been reported in at least three studies in which it was found in a homozygous state in two individuals, in a compound heterozygous state in one individual, and in a heterozygous state in four individuals, all with Aicardi-Goutieres syndrome (Rice et al. 2009; Ramesh et al. 2010; Crow et al. 2015). In one of these families, the variant was reported to cosegregate with disease. The p.Ile201Asn variant was absent from 450 control alleles (Ravenscroft et al. 2011) and is reported at a frequency of 0.00004 in the European (non-Finnish) population of the Exome Aggregation Consortium. Functional studies in HEK 293T cells showed that the variant resulted in reduced protein expression compared to wildtype and catalytic inactivity (Hofmann et al. 2012). Localization studies for the variant protein are conflicting; Hofmann et al. (2012) reported a normal nuclear localization in HEK 293T cells compared to wild type whereas Goncalves et al. (2012) reported cytosolic localization of the variant protein in HeLa cells. Based on the collective evidence, the p.Ile201Asn variant is classified as likely pathogenic for Aicardi-Goutieres syndrome. This variant was observed by ICSL as part of a predisposition screen in an ostensibly healthy population.

OMIM
Classification: Pathogenic for AICARDI-GOUTIERES SYNDROME 5. Last evaluated: 2015-02-01. Review status: no assertion criteria provided. Collection method: literature only. Allele origin: germline. Not counted in ClinVar's aggregate classification.

OMIM
Classification: Pathogenic for CHILBLAIN LUPUS 2. Last evaluated: 2015-02-01. Review status: no assertion criteria provided. Collection method: literature only. Allele origin: germline. Not counted in ClinVar's aggregate classification.

GeneReviews
No classification provided. Condition: Aicardi-Goutieres syndrome 5. Review status: no classification provided. Collection method: literature only. Allele origin: germline. Affected: yes. Not counted in ClinVar's aggregate classification.

Literature cited by the submitters: PubMed 19525956 (cited by 5 submitters); PubMed 20653736 (cited by 5 submitters); PubMed 27604406 (cited by 3 submitters); PubMed 22461318 (cited by 3 submitters); PubMed 22973040 (cited by Labcorp Genetics (formerly Invitae), Labcorp and Illumina Laboratory Services, Illumina); PubMed 28229507 (cited by 3 submitters); PubMed 24183309 (cited by Natera, Inc.); PubMed 30275001 (cited by Women's Health and Genetics/Laboratory Corporation of America, LabCorp and Laboratory for Molecular Medicine, Mass General Brigham Personalized Medicine); PubMed 21204240 (cited by 3 submitters); PubMed 25604658 (cited by Illumina Laboratory Services, Illumina and OMIM); NCBI Bookshelf NBK1475 (cited by GeneReviews).

NM_015474.4(SAMHD1):c.602T>A (p.Ile201Asn)

Gene: SAMHD1 (SAM and HD domain containing deoxynucleoside triphosphate triphosphohydrolase 1; minus strand). Cytogenetic location: 20q11.23.
Variant type: single nucleotide variant.
Coding change: c.602T>A on transcript NM_015474.4 (MANE Select); coding-DNA position 602, T replaced by A.
Protein change: p.Ile201Asn; replaces isoleucine 201 with asparagine.
Molecular consequence: missense variant.
Genome position (GRCh38, 1-based): chr20:36,930,783, A>T on the plus strand (T>A on the coding strand, the complement: SAMHD1 is on the minus strand). VCF-style: chr20-36930783-A-T. GRCh37 (hg19) VCF-style: chr20-35559186-A-T.
Other names: c.602T>A, p.Ile201Asn (NM_001363729.2, NM_001363733.2); short protein forms I201N.
Identifiers: ClinVar variation 30605 (VCV000030605.37), dbSNP rs138603088, ClinGen allele CA249482.
Genomic context (GRCh38, chr20:36,930,783, plus strand): 5'-ATTTTACATAACAACTTTGTCTCTTTGTACAGCTTACCGAGATCATGACAAAGTCCAGCA[A>T]TCTGAACACAGAGAACATCTCGTTCACTTATCTGCAGCTCTGGTTGTTTTTCACCCAGTG-3'
Protein context (NP_056289.2, residues 191-211): ISERDVLCVQ[Ile201Asn]AGLCHDLGHG